The following is an entry in ClinVar:

NM_006912.6(RIT1):c.11G>A (p.Gly4Glu)

Gene: RIT1 (Ras like without CAAX 1; minus strand). Cytogenetic location: 1q22.
Variant type: single nucleotide variant.
Coding change: c.11G>A on transcript NM_006912.6 (MANE Select); coding-DNA position 11, G replaced by A.
Protein change: p.Gly4Glu; replaces glycine 4 with glutamic acid.
Molecular consequence: missense variant. On other transcripts: intron variant (1).
Genome position (GRCh38, 1-based): chr1:155,910,751, C>T on the plus strand (G>A on the coding strand, the complement: RIT1 is on the minus strand). VCF-style: chr1-155910751-C-T. GRCh37 (hg19) VCF-style: chr1-155880542-C-T.
Other names: c.62G>A, p.Gly21Glu (NM_001256821.2); c.-2-245G>A (NM_001256820.2); c.11G>A (NM_006912.4); short protein forms G4E, G21E.
Identifiers: ClinVar variation 1362438 (VCV001362438.10), dbSNP rs2102591253, ClinGen allele CA342776563.

ClinVar aggregate classification (germline): Uncertain significance. Review status: criteria provided, multiple submitters, no conflicts (2 of 4 stars). 4 submissions from 4 submitters: Uncertain significance (4). Last evaluated 2024-06-18.

Conditions:
Noonan syndrome 8 (NS8). Identifiers: Orphanet 648, MedGen C3809233, MONDO:0014143, OMIM 615355.
Cardiovascular phenotype. Identifiers: MedGen CN230736.

Allele frequency attached by ClinVar (database versions not stated): gnomAD exomes below 0.00001.
gnomAD v4.1: 5 of 1,614,254 alleles (0.00031%); highest among the groups gnomAD compares: Non-Finnish European, 0.00042%; no homozygotes.

Submissions (4):

Ambry Genetics
Classification: Uncertain significance for Cardiovascular phenotype. Last evaluated: 2024-06-18. Review status: criteria provided, single submitter. Criteria: Ambry Variant Classification Scheme 2023. Collection method: clinical testing. Allele origin: germline.
Comment: The p.G4E variant (also known as c.11G>A), located in coding exon 1 of the RIT1 gene, results from a G to A substitution at nucleotide position 11. The glycine at codon 4 is replaced by glutamic acid, an amino acid with similar properties. This amino acid position is conserved. In addition, this alteration is predicted to be tolerated by in silico analysis. Based on the available evidence, the clinical significance of this variant remains unclear.

Labcorp Genetics (formerly Invitae), Labcorp
Classification: Uncertain significance for Noonan syndrome 8. Last evaluated: 2024-04-15. Review status: criteria provided, single submitter. Criteria: Invitae Variant Classification Sherloc (09022015). Collection method: clinical testing. Allele origin: germline.
Comment: This sequence change replaces glycine, which is neutral and non-polar, with glutamic acid, which is acidic and polar, at codon 4 of the RIT1 protein (p.Gly4Glu). This variant is not present in population databases (gnomAD no frequency). This variant has not been reported in the literature in individuals affected with RIT1-related conditions. ClinVar contains an entry for this variant (Variation ID: 1362438). Advanced modeling performed at Invitae incorporating data from internal and/or published experimental studies (Invitae) indicates that this missense variant is not expected to disrupt RIT1 function with a negative predictive value of 95%. In summary, the available evidence is currently insufficient to determine the role of this variant in disease. Therefore, it has been classified as a Variant of Uncertain Significance.

Genome-Nilou Lab
Classification: Uncertain significance for Noonan syndrome 8. Last evaluated: 2023-04-11. Review status: criteria provided, single submitter. Criteria: ACMG Guidelines, 2015. Collection method: clinical testing. Allele origin: germline. Affected: no.

Fulgent Genetics
Classification: Uncertain significance for Noonan syndrome 8. Last evaluated: 2021-07-13. Review status: criteria provided, single submitter. Criteria: ACMG Guidelines, 2015. Collection method: clinical testing. Allele origin: unknown.